The following is an entry in ClinVar:

ClinVar aggregate classification (germline): Benign/Likely benign. Review status: criteria provided, multiple submitters, no conflicts (2 of 4 stars). 5 submissions from 5 submitters: Benign (4); Likely benign (1). Last evaluated 2025-09-04.

Conditions:
Catecholaminergic polymorphic ventricular tachycardia 1. Also called: VENTRICULAR TACHYCARDIA, CATECHOLAMINERGIC POLYMORPHIC, 1, WITH OR WITHOUT ATRIAL DYSFUNCTION AND/OR DILATED CARDIOMYOPATHY; VENTRICULAR TACHYCARDIA, STRESS-INDUCED POLYMORPHIC 1; RYR2-Related Catecholaminergic Polymorphic Ventricular Tachycardia. Identifiers: Orphanet 3286, MedGen C1631597, MONDO:0011484, OMIM 604772.
Cardiovascular phenotype. Identifiers: MedGen CN230736.
Catecholaminergic polymorphic ventricular tachycardia (CVPT). Also called: Catecholamine-induced polymorphic ventricular tachycardia. Identifiers: Orphanet 3286, MedGen C5574922, MONDO:0017990.
Cardiomyopathy (CMYO). Also called: Cardiomyopathies. Identifiers: Orphanet 167848, MedGen C0878544, MONDO:0004994, HP:0001638. Inheritance: Various modes of inheritance.

Allele frequency attached by ClinVar (database versions not stated): gnomAD exomes 0.00002 and 0.00010; gnomAD 0.00004 and 0.00005; TOPMed 0.00007; ExAC 0.00015; 1000 Genomes Project 0.00020; 1000 Genomes Project 30x 0.00031.
gnomAD v4.1: 33 of 1,611,020 alleles (0.002%); highest among the groups gnomAD compares: East Asian, 0.065%; no homozygotes.

Submissions (5):

Labcorp Genetics (formerly Invitae), Labcorp
Classification: Benign for Catecholaminergic polymorphic ventricular tachycardia 1. Last evaluated: 2025-09-04. Review status: criteria provided, single submitter. Criteria: Invitae Variant Classification Sherloc (09022015). Collection method: clinical testing. Allele origin: germline.

All of Us Research Program, National Institutes of Health
Classification: Benign for Catecholaminergic polymorphic ventricular tachycardia. Last evaluated: 2023-06-26. Review status: criteria provided, single submitter. Criteria: ACMG Guidelines, 2015. Collection method: clinical testing. Allele origin: germline. Inheritance: Autosomal dominant inheritance. Observed: 3 variant alleles, 3 heterozygotes.
Comment: This study involves interpretation of variants in research participants for the purpose of population health screening. Participant phenotype was not available at the time of variant classification. Additional details can be found in publication PMID: 35346344, PMCID: PMC8962531

Ambry Genetics
Classification: Likely benign for Cardiovascular phenotype. Last evaluated: 2022-12-09. Review status: criteria provided, single submitter. Criteria: Ambry Variant Classification Scheme 2023. Collection method: clinical testing. Allele origin: germline.

Color Diagnostics, LLC DBA Color Health
Classification: Benign for Cardiomyopathy. Last evaluated: 2019-07-02. Review status: criteria provided, single submitter. Criteria: ACMG Guidelines, 2015. Collection method: clinical testing. Allele origin: germline.

Women's Health and Genetics/Laboratory Corporation of America, LabCorp
Classification: Benign. Last evaluated: 2019-02-11. Review status: criteria provided, single submitter. Criteria: LabCorp Variant Classification Summary - May 2015. Collection method: clinical testing. Allele origin: germline.
Comment: Variant summary: RYR2 c.7386A>G alters a non-conserved nucleotide resulting in a synonymous change. 5/5 computational tools predict no significant impact on normal splicing. However, these predictions have yet to be confirmed by functional studies. The variant allele was found at a frequency of 9.6e-05 in 272004 control chromosomes. The observed variant frequency is approximately 4 fold of the estimated maximal expected allele frequency for a pathogenic variant in RYR2 causing Cardiomyopathy phenotype (2.5e-05), strongly suggesting that the variant is benign. To our knowledge, no occurrence of c.7386A>G in individuals affected with Cardiomyopathy and no experimental evidence demonstrating its impact on protein function have been reported. No clinical diagnostic laboratories have submitted clinical-significance assessments for this variant to ClinVar after 2014. Based on the evidence outlined above, the variant was classified as benign.

NM_001035.3(RYR2):c.7386A>G (p.Pro2462=)

Gene: RYR2 (ryanodine receptor 2; plus strand). Cytogenetic location: 1q43.
Variant type: single nucleotide variant.
Coding change: c.7386A>G on transcript NM_001035.3 (MANE Select); coding-DNA position 7386, A replaced by G.
Protein change: p.Pro2462=; no amino-acid change (proline 2462 retained).
Molecular consequence: synonymous variant.
Genome position (GRCh38, 1-based): chr1:237,648,487, A>G. VCF-style: chr1-237648487-A-G. GRCh37 (hg19) VCF-style: chr1-237811787-A-G.
Identifiers: ClinVar variation 705325 (VCV000705325.17), dbSNP rs546545700, ClinGen allele CA087385.